The following is an entry in ClinVar:

ClinVar aggregate classification (germline): Uncertain significance (1 of 4 stars; one submission).

Allele frequency attached by ClinVar (database versions not stated): TOPMed below 0.00001; gnomAD 0.00001; gnomAD exomes 0.00002; ExAC 0.00003.
gnomAD v4.1: 10 of 1,582,296 alleles (0.00063%); highest among the groups gnomAD compares: East Asian, 0.021%; no homozygotes.

Submission:

Labcorp Genetics (formerly Invitae), Labcorp
Classification: Uncertain significance. Last evaluated: 2024-02-23. Review status: criteria provided, single submitter. Criteria: Invitae Variant Classification Sherloc (09022015). Collection method: clinical testing. Allele origin: germline.
Comment: This sequence change replaces arginine, which is basic and polar, with histidine, which is basic and polar, at codon 59 of the LEMD3 protein (p.Arg59His). The frequency data for this variant in the population databases is considered unreliable, as metrics indicate poor data quality at this position in the gnomAD database. This variant has not been reported in the literature in individuals affected with LEMD3-related conditions. ClinVar contains an entry for this variant (Variation ID: 2109446). An algorithm developed to predict the effect of missense changes on protein structure and function (PolyPhen-2) suggests that this variant is likely to be disruptive. In summary, the available evidence is currently insufficient to determine the role of this variant in disease. Therefore, it has been classified as a Variant of Uncertain Significance.

NM_014319.5(LEMD3):c.176G>A (p.Arg59His)

Gene: LEMD3 (LEM domain containing 3; plus strand). Cytogenetic location: 12q14.3.
Variant type: single nucleotide variant.
Coding change: c.176G>A on transcript NM_014319.5 (MANE Select); coding-DNA position 176, G replaced by A.
Protein change: p.Arg59His; replaces arginine 59 with histidine.
Molecular consequence: missense variant.
Genome position (GRCh38, 1-based): chr12:65,169,772, G>A. VCF-style: chr12-65169772-G-A. GRCh37 (hg19) VCF-style: chr12-65563552-G-A.
Other names: c.176G>A, p.Arg59His (NM_001167614.2); short protein forms R59H.
Identifiers: ClinVar variation 2109446 (VCV002109446.4), dbSNP rs772216122, ClinGen allele CA6670686.
Genomic context (GRCh38, chr12:65,169,772, plus strand): 5'-ACCTCAAGAAGCTGAAGAAGCTTCGAGAGGAAGAGCAGCAACAGCACCGGTCAGGGGGCC[G>A]CGGCAACAAGACGCGGAACAGTAATAACAATAACACGGCAGCCGCCACGGTCGCAGCCGC-3'
Protein context (NP_055134.2, residues 49-69): EEQQQHRSGG[Arg59His]GNKTRNSNNN